The following is an entry in ClinVar:

NM_024422.6(DSC2):c.63C>T (p.Thr21=)

Genes: DSC2 (desmocollin 2; minus strand), DSCAS (DSC1/DSC2 antisense RNA; plus strand). Cytogenetic location: 18q12.1.
Variant type: single nucleotide variant.
Coding change: c.63C>T on transcript NM_024422.6 (MANE Select); coding-DNA position 63, C replaced by T.
Protein change: p.Thr21=; no amino-acid change (threonine 21 retained).
Molecular consequence: synonymous variant.
Genome position (GRCh38, 1-based): chr18:31,101,909, G>A on the plus strand (C>T on the coding strand, the complement: DSC2 is on the minus strand). VCF-style: chr18-31101909-G-A. GRCh37 (hg19) VCF-style: chr18-28681872-G-A.
Other names: c.63C>T, p.Thr21= (NM_004949.5).
Identifiers: ClinVar variation 1753302 (VCV001753302.3), dbSNP rs1463773872, ClinGen allele CA503391546.
Genomic context (GRCh38, chr18:31,101,909, plus strand): 5'-TGCACCCTAGGCGATCGCCCCCTTCCCCGGAGCGGTGGCCGCGGCTACACTCACCGCGAG[G>A]GTCAGCAGGAGCAGCCGGCAGAGGGCTCCGTTCCAGGAGCCGGAGGGGCGGGCTGCCTCC-3'
Protein context (NP_077740.1, residues 11-31): NGALCRLLLL[Thr21=]LAILIFASDA

ClinVar aggregate classification (germline): Likely benign. Review status: criteria provided, multiple submitters, no conflicts (2 of 4 stars). 2 submissions from 2 submitters: Likely benign (2). Last evaluated 2023-05-04.

Conditions:
Cardiovascular phenotype. Identifiers: MedGen CN230736.
Familial isolated arrhythmogenic right ventricular dysplasia. Identifiers: Orphanet 217656, MedGen C4274968, MONDO:0016342.

Allele frequency attached by ClinVar (database versions not stated): gnomAD 0.00001.
gnomAD v4.1: 1 of 1,531,602 alleles (0.000065%); highest among the groups gnomAD compares: African/African-American, 0.0014%; no homozygotes.

Submissions (2):

All of Us Research Program, National Institutes of Health
Classification: Likely benign for Familial isolated arrhythmogenic right ventricular dysplasia. Last evaluated: 2023-05-04. Review status: criteria provided, single submitter. Criteria: ACMG Guidelines, 2015. Collection method: clinical testing. Allele origin: germline. Inheritance: Autosomal dominant inheritance. Observed: 1 variant allele, 1 heterozygote.
Comment: This study involves interpretation of variants in research participants for the purpose of population health screening. Participant phenotype was not available at the time of variant classification. Additional details can be found in publication PMID: 35346344, PMCID: PMC8962531

Ambry Genetics
Classification: Likely benign for Cardiovascular phenotype. Last evaluated: 2020-04-06. Review status: criteria provided, single submitter. Criteria: Ambry Variant Classification Scheme 2023. Collection method: clinical testing. Allele origin: germline.